The following is an entry in ClinVar:

NM_002474.3(MYH11):c.2179C>T (p.Arg727Cys)

Gene: MYH11 (myosin heavy chain 11; minus strand). Cytogenetic location: 16p13.11.
Variant type: single nucleotide variant.
Coding change: c.2179C>T on transcript NM_002474.3 (MANE Select); coding-DNA position 2179, C replaced by T.
Protein change: p.Arg727Cys; replaces arginine 727 with cysteine.
Molecular consequence: missense variant.
Genome position (GRCh38, 1-based): chr16:15,748,048, G>A on the plus strand (C>T on the coding strand, the complement: MYH11 is on the minus strand). VCF-style: chr16-15748048-G-A. GRCh37 (hg19) VCF-style: chr16-15841905-G-A.
Other names: p.Arg734Cys; c.2200C>T, p.Arg734Cys (NM_001040113.2, NM_001040114.2); c.2179C>T, p.Arg727Cys (NM_022844.3); c.2179C>T (NM_002474.2); short protein forms R727C, R734C.
Identifiers: ClinVar variation 922329 (VCV000922329.10), dbSNP rs1401359617, ClinGen allele CA394867918.
Genomic context (GRCh38, chr16:15,748,048, plus strand): 5'-ATTCCTCCACCCAGTCCCGCTCACCCCCTGCCCTACCTGGGCCAGACCTTGGGACTTACC[G>A]TTGGCGGAACTCCTGGAAGACGATCCGGTTGGGGAAGCCCTGCCGGCAGATGCGAATGCC-3'
Protein context (NP_002465.1, residues 717-737): NRIVFQEFRQ[Arg727Cys]YEILAANAIP

ClinVar aggregate classification (germline): Uncertain significance. Review status: criteria provided, multiple submitters, no conflicts (2 of 4 stars). 6 submissions from 6 submitters: Uncertain significance (6). Last evaluated 2025-08-19.

Conditions:
Familial thoracic aortic aneurysm and aortic dissection (TAAD). Also called: Thoracic aortic aneurysms and dissections. Identifiers: Orphanet 91387, MedGen C4707243, MONDO:0019625.
Aortic aneurysm, familial thoracic 4 (AAT4). Also called: AORTIC ANEURYSM/AORTIC DISSECTION AND PATENT DUCTUS ARTERIOSUS. Identifiers: MedGen C1851504, MONDO:0007568, OMIM 132900.

Allele frequency attached by ClinVar (database versions not stated): gnomAD exomes below 0.00001 and 0.00003; TOPMed below 0.00001; gnomAD 0.00001.
gnomAD v4.1: 38 of 1,614,068 alleles (0.0024%); highest among the groups gnomAD compares: Non-Finnish European, 0.0029%; no homozygotes.

Submissions (6):

Labcorp Genetics (formerly Invitae), Labcorp
Classification: Uncertain significance for Aortic aneurysm, familial thoracic 4. Last evaluated: 2025-08-19. Review status: criteria provided, single submitter. Criteria: Invitae Variant Classification Sherloc (09022015). Collection method: clinical testing. Allele origin: germline.
Comment: This sequence change replaces arginine, which is basic and polar, with cysteine, which is neutral and slightly polar, at codon 734 of the MYH11 protein (p.Arg734Cys). This variant is present in population databases (no rsID available, gnomAD 0.003%). This variant has not been reported in the literature in individuals affected with MYH11-related conditions. ClinVar contains an entry for this variant (Variation ID: 922329). An algorithm developed to predict the effect of missense changes on protein structure and function (PolyPhen-2) suggests that this variant is likely to be disruptive. In summary, the available evidence is currently insufficient to determine the role of this variant in disease. Therefore, it has been classified as a Variant of Uncertain Significance.

Mayo Clinic Laboratories, Mayo Clinic
Classification: Uncertain significance. Last evaluated: 2025-07-23. Review status: criteria provided, single submitter. Criteria: ACMG Guidelines, 2015. Collection method: clinical testing. Allele origin: germline. Observed: 1 variant allele.
Comment: PP3_moderate

Color Diagnostics, LLC DBA Color Health
Classification: Uncertain significance for Familial thoracic aortic aneurysm and aortic dissection. Last evaluated: 2025-07-22. Review status: criteria provided, single submitter. Criteria: ACMG Guidelines, 2015. Collection method: clinical testing. Allele origin: germline.
Comment: This missense variant replaces arginine with cysteine at codon 734 of the MYH11 protein. Computational prediction suggests that this variant may have deleterious impact on protein structure and function. To our knowledge, functional studies have not been reported for this variant. This variant has not been reported in individuals affected with MYH11-related disorders in the literature. This variant has been identified in 1/251396 chromosomes in the general population by the Genome Aggregation Database (gnomAD). The available evidence is insufficient to determine the role of this variant in disease conclusively. Therefore, this variant is classified as a Variant of Uncertain Significance.

Ambry Genetics
Classification: Uncertain significance for Familial thoracic aortic aneurysm and aortic dissection. Last evaluated: 2024-10-28. Review status: criteria provided, single submitter. Criteria: Ambry Variant Classification Scheme 2023. Collection method: clinical testing. Allele origin: germline.
Comment: The p.R727C variant (also known as c.2179C>T), located in coding exon 16 of the MYH11 gene, results from a C to T substitution at nucleotide position 2179. The arginine at codon 727 is replaced by cysteine, an amino acid with highly dissimilar properties. This amino acid position is highly conserved in available vertebrate species. In addition, this alteration is predicted to be deleterious by in silico analysis. Based on the available evidence, the clinical significance of this variant remains unclear.

All of Us Research Program, National Institutes of Health
Classification: Uncertain significance for Familial thoracic aortic aneurysm and aortic dissection. Last evaluated: 2023-12-01. Review status: criteria provided, single submitter. Criteria: ACMG Guidelines, 2015. Collection method: clinical testing. Allele origin: germline. Inheritance: Autosomal dominant inheritance. Observed: 1 variant allele, 1 heterozygote.
Comment: This missense variant replaces arginine with cysteine at codon 734 of the MYH11 protein. Computational prediction suggests that this variant may have deleterious impact on protein structure and function (internally defined REVEL score threshold >= 0.7, PMID: 27666373). To our knowledge, functional studies have not been reported for this variant. This variant has not been reported in individuals affected with cardiovascular disorders in the literature. This variant has been identified in 1/251396 chromosomes in the general population by the Genome Aggregation Database (gnomAD). The available evidence is insufficient to determine the role of this variant in disease conclusively. Therefore, this variant is classified as a Variant of Uncertain Significance.

This study involves interpretation of variants in research participants for the purpose of population health screening. Participant phenotype was not available at the time of variant classification. Additional details can be found in publication PMID: 35346344, PMCID: PMC8962531

AiLife Diagnostics
Classification: Uncertain significance. Last evaluated: 2021-12-27. Review status: criteria provided, single submitter. Criteria: ACMG Guidelines, 2015. Collection method: clinical testing. Allele origin: germline. Affected: yes. Observed: 1 variant allele.